The following is an entry in ClinVar:

NM_177438.3(DICER1):c.1948G>A (p.Ala650Thr)

Gene: DICER1 (dicer 1, ribonuclease III; minus strand). Cytogenetic location: 14q32.13.
Variant type: single nucleotide variant.
Coding change: c.1948G>A on transcript NM_177438.3 (MANE Select); coding-DNA position 1948, G replaced by A.
Protein change: p.Ala650Thr; replaces alanine 650 with threonine.
Molecular consequence: missense variant.
Genome position (GRCh38, 1-based): chr14:95,113,184, C>T on the plus strand (G>A on the coding strand, the complement: DICER1 is on the minus strand). VCF-style: chr14-95113184-C-T. GRCh37 (hg19) VCF-style: chr14-95579521-C-T.
Other names: c.1948G>A (NM_177438.2); c.1948G>A, p.Ala650Thr (NM_001195573.1, NM_001271282.3, NM_001291628.2 and 1 more transcripts); short protein forms A650T.
Identifiers: ClinVar variation 1406614 (VCV001406614.8), dbSNP rs1595397085, ClinGen allele CA390883418.

ClinVar aggregate classification (germline): Uncertain significance. Review status: criteria provided, multiple submitters, no conflicts (2 of 4 stars). 2 submissions from 2 submitters: Uncertain significance (2). Last evaluated 2023-08-31.

Conditions:
DICER1-related tumor predisposition. Also called: DICER1 syndrome; DICER1-related pleuropulmonary blastoma cancer predisposition syndrome. Identifiers: Orphanet 284343, MedGen C3839822, MONDO:0100216.
Hereditary cancer-predisposing syndrome. Also called: Neoplastic Syndromes, Hereditary; Hereditary neoplastic syndrome; Hereditary Cancer Syndrome; Tumor predisposition. Identifiers: Orphanet 140162, MedGen C0027672, MeSH D009386, MONDO:0015356.

Submissions (2):

Ambry Genetics
Classification: Uncertain significance for Hereditary cancer-predisposing syndrome. Last evaluated: 2023-08-31. Review status: criteria provided, single submitter. Criteria: Ambry Variant Classification Scheme 2023. Collection method: clinical testing. Allele origin: germline.
Comment: The p.A650T variant (also known as c.1948G>A), located in coding exon 11 of the DICER1 gene, results from a G to A substitution at nucleotide position 1948. The alanine at codon 650 is replaced by threonine, an amino acid with similar properties. This amino acid position is highly conserved in available vertebrate species. In addition, the in silico prediction for this alteration is inconclusive. Since supporting evidence is limited at this time, the clinical significance of this alteration remains unclear.

Labcorp Genetics (formerly Invitae), Labcorp
Classification: Uncertain significance for DICER1-related tumor predisposition. Last evaluated: 2023-04-04. Review status: criteria provided, single submitter. Criteria: Invitae Variant Classification Sherloc (09022015). Collection method: clinical testing. Allele origin: germline.
Comment: This sequence change replaces alanine, which is neutral and non-polar, with threonine, which is neutral and polar, at codon 650 of the DICER1 protein (p.Ala650Thr). This variant is not present in population databases (gnomAD no frequency). This variant has not been reported in the literature in individuals affected with DICER1-related conditions. ClinVar contains an entry for this variant (Variation ID: 1406614). Advanced modeling of protein sequence and biophysical properties (such as structural, functional, and spatial information, amino acid conservation, physicochemical variation, residue mobility, and thermodynamic stability) performed at Invitae indicates that this missense variant is not expected to disrupt DICER1 protein function. In summary, the available evidence is currently insufficient to determine the role of this variant in disease. Therefore, it has been classified as a Variant of Uncertain Significance.